The following is an entry in ClinVar:

NM_004727.3(SLC24A1):c.2445C>T (p.His815=)

Gene: SLC24A1 (solute carrier family 24 member 1; plus strand). Cytogenetic location: 15q22.31.
Variant type: single nucleotide variant.
Coding change: c.2445C>T on transcript NM_004727.3 (MANE Select); coding-DNA position 2445, C replaced by T.
Protein change: p.His815=; no amino-acid change (histidine 815 retained).
Molecular consequence: synonymous variant.
Genome position (GRCh38, 1-based): chr15:65,650,594, C>T. VCF-style: chr15-65650594-C-T. GRCh37 (hg19) VCF-style: chr15-65942932-C-T.
Other names: c.426C>T, p.His142= (NM_001254740.2); c.2445C>T, p.His815= (NM_001301031.1); c.2391C>T, p.His797= (NM_001301032.1, NM_001301033.2).
Identifiers: ClinVar variation 198520 (VCV000198520.28), dbSNP rs185027365, ClinGen allele CA247204.

ClinVar aggregate classification (germline): Conflicting classifications of pathogenicity. Review status: criteria provided, conflicting classifications (1 of 4 stars). 6 submissions from 6 submitters: Uncertain significance (1); Likely benign (3). 2 of the submissions do not count toward it. Last evaluated 2026-06-01.

Allele frequency attached by ClinVar (database versions not stated): 1000 Genomes Project 0.00040; 1000 Genomes Project 30x 0.00047; ExAC 0.00060; ESP Exome Variant Server 0.00068; gnomAD exomes 0.00097 and 0.00140; gnomAD 0.00117 and 0.00124; TOPMed 0.00133.
gnomAD v4.1: 2,153 of 1,551,438 alleles (0.14%); highest among the groups gnomAD compares: Admixed American, 0.24%; 2 homozygotes.

Submissions (6):

CeGaT Center for Human Genetics Tuebingen
Classification: Likely benign. Last evaluated: 2026-06-01. Review status: criteria provided, single submitter. Criteria: CeGaT Center For Human Genetics Tuebingen Variant Classification Criteria Version 2. Collection method: clinical testing. Allele origin: germline. Affected: yes. Observed: 2 variant alleles.
Comment: SLC24A1: BP4, BP7

Labcorp Genetics (formerly Invitae), Labcorp
Classification: Likely benign. Last evaluated: 2025-12-09. Review status: criteria provided, single submitter. Criteria: Invitae Variant Classification Sherloc (09022015). Collection method: clinical testing. Allele origin: germline.

Blueprint Genetics
Classification: Likely benign. Last evaluated: 2024-11-22. Review status: criteria provided, single submitter. Criteria: ACMG Guidelines, 2015. Collection method: clinical testing. Allele origin: germline.

Eurofins Ntd Llc (ga)
Classification: Uncertain significance. Last evaluated: 2014-12-19. Review status: criteria provided, single submitter. Criteria: EGL Classification Definitions 2015. Collection method: clinical testing. Allele origin: germline. Observed: 1 variant allele, 1 heterozygote.

Clinical Genetics DNA and cytogenetics Diagnostics Lab, Erasmus MC, Erasmus Medical Center
Classification: Likely benign. Review status: no assertion criteria provided. Collection method: clinical testing. Allele origin: germline. Affected: yes. Study: VKGL Data-share Consensus. Not counted in ClinVar's aggregate classification.

Clinical Genetics, Academic Medical Center
Classification: Likely benign. Review status: no assertion criteria provided. Collection method: clinical testing. Allele origin: germline. Affected: yes. Study: VKGL Data-share Consensus. Not counted in ClinVar's aggregate classification.